The following is an entry in ClinVar:

NM_001384474.1(LOXHD1):c.1289G>A (p.Trp430Ter)

Gene: LOXHD1 (lipoxygenase homology PLAT domains 1; minus strand). Cytogenetic location: 18q21.1.
Variant type: single nucleotide variant.
Coding change: c.1289G>A on transcript NM_001384474.1 (MANE Select); coding-DNA position 1289, G replaced by A.
Protein change: p.Trp430Ter; replaces tryptophan 430 with a stop codon.
Molecular consequence: nonsense.
Genome position (GRCh38, 1-based): chr18:46,593,742, C>T on the plus strand (G>A on the coding strand, the complement: LOXHD1 is on the minus strand). VCF-style: chr18-46593742-C-T. GRCh37 (hg19) VCF-style: chr18-44173705-C-T.
Other names: c.1289G>A, p.Trp430Ter (NM_144612.7); short protein forms W430*.
Identifiers: ClinVar variation 4816815 (VCV004816815.1).
Genomic context (GRCh38, chr18:46,593,742, plus strand): 5'-TAAATCTGGATGAAGATGGGAGAGTTGGTACCAGCTTTCTTTAGGTCGGTTGTCCAGACC[C>T]ACAGGGACCAAGGGAATTCTGTAAGACAGATCAAGTTGCACCATAAACTTCAGGAAGTGA-3'

ClinVar aggregate classification (germline): Likely pathogenic (1 of 4 stars; one submission).

Conditions:
Autosomal recessive nonsyndromic hearing loss 77. Identifiers: Orphanet 90636, MedGen C2746083, MONDO:0013119, OMIM 613079.

Submission:

Natera, Inc.
Classification: Likely pathogenic for Autosomal recessive deafness type 77. Last evaluated: 2024-09-23. Review status: criteria provided, single submitter. Criteria: Natera Variant Classification Schema (03/2026). Collection method: clinical testing. Allele origin: germline.
Comment: The c.1289G>A variant in LOXHD1 is a nonsense variant predicted to introduce a stop codon at amino acid 430. This variant is expected to result in nonsense mediated decay, truncation, or a dysfunctional protein product. This variant is rare in the general population with a frequency below the threshold expected for the associated phenotype(s). Given the available evidence, this variant is classified as Likely Pathogenic.